The following is an entry in ClinVar:

NM_012203.2(GRHPR):c.349T>C (p.Ser117Pro)

Gene: GRHPR (glyoxylate and hydroxypyruvate reductase; plus strand). Cytogenetic location: 9p13.2.
Variant type: single nucleotide variant.
Coding change: c.349T>C on transcript NM_012203.2 (MANE Select); coding-DNA position 349, T replaced by C.
Protein change: p.Ser117Pro; replaces serine 117 with proline.
Molecular consequence: missense variant.
Genome position (GRCh38, 1-based): chr9:37,426,599, T>C. VCF-style: chr9-37426599-T-C. GRCh37 (hg19) VCF-style: chr9-37426596-T-C.
Other names: short protein forms S117P.
Identifiers: ClinVar variation 3367047 (VCV003367047.2).

ClinVar aggregate classification (germline): Uncertain significance. Review status: criteria provided, multiple submitters, no conflicts (2 of 4 stars). 2 submissions from 2 submitters: Uncertain significance (2). Last evaluated 2026-05-01.

Conditions:
Primary hyperoxaluria, type II (HP2). Also called: D-GLYCERATE DEHYDROGENASE DEFICIENCY; GLYCERIC ACIDURIA; GLYOXYLATE REDUCTASE/HYDROXYPYRUVATE REDUCTASE DEFICIENCY; OXALOSIS II; Primary hyperoxaluria type 2. Identifiers: Orphanet 416, Orphanet 93599, MedGen C0268165, MONDO:0009824, OMIM 260000. Disease mechanism: loss of function.

gnomAD v4.1: 4 of 1,613,950 alleles (0.00025%); highest among the groups gnomAD compares: South Asian, 0.0011%; no homozygotes.

Submissions (2):

Myriad Genetics, Inc.
Classification: Uncertain significance for Primary hyperoxaluria, type II. Last evaluated: 2026-05-01. Review status: criteria provided, single submitter. Criteria: Myriad Autosomal Dominant, Autosomal Recessive and X-Linked Classification Criteria (2023). Collection method: clinical testing. Allele origin: unknown.
Comment: NM_012203.1(GRHPR):c.349T>C(S117P) is a missense variant classified as a variant of uncertain significance in the context of primary hyperoxaluria type 2. S117P has been observed in cases with relevant disease (PMID: 37464296, 40979039, 41703089 and Kapadia_2021_(Article)). Relevant functional assessments of this variant are not available in the literature. S117P has not been observed in referenced population frequency databases. In summary, there is insufficient evidence to classify NM_012203.1(GRHPR):c.349T>C(S117P) as pathogenic or benign. Please note: this variant was assessed in the context of healthy population screening.

Neuberg Centre For Genomic Medicine, NCGM
Classification: Uncertain significance for Primary hyperoxaluria, type II. Last evaluated: 2023-05-20. Review status: criteria provided, single submitter. Criteria: ACMG Guidelines, 2015. Collection method: clinical testing. Allele origin: germline. Inheritance: Autosomal recessive inheritance. Affected: yes.
Comment: The observed missense c.349T>C(p.Ser117Pro) variant in GRHPR gene has been reported previously in homozygous state in individual(s) affected with primary hyperoxaluria (Kapadia et al., 2021). This variant is absent in gnomAD Exomes. The amino acid Ser at position 117 is changed to a Pro changing protein sequence and it might alter its composition and physico-chemical properties. The amino acid change p.Ser117Pro in GRHPR is predicted as conserved by GERP++ and PhyloP across 100 vertebrates. Multiple lines of computational evidence (Polyphen - Possibly Damaging, SIFT - Damaging, and MutationTaster - Disease causing) predict a damaging effect on protein structure and function for this variant. For these reasons, this variant has been classified as Uncertain Significance.